The following is an entry in ClinVar:

ClinVar aggregate classification (germline): Uncertain significance. Review status: criteria provided, multiple submitters, no conflicts (2 of 4 stars). 3 submissions from 3 submitters: Uncertain significance (3). Last evaluated 2024-10-14.

Conditions:
Chédiak-Higashi syndrome (CHS). Also called: Chediak-Higashi Syndrome. Identifiers: Orphanet 167, MedGen C0007965, MONDO:0008963, OMIM 214500.

Allele frequency attached by ClinVar (database versions not stated): ExAC 0.00005; TOPMed 0.00005; gnomAD 0.00006; ESP Exome Variant Server 0.00008; 1000 Genomes Project 30x 0.00016; 1000 Genomes Project 0.00020.
gnomAD v4.1: 72 of 1,592,052 alleles (0.0045%); highest among the groups gnomAD compares: Middle Eastern, 0.017%; no homozygotes.

Submissions (3):

Blueprint Genetics
Classification: Uncertain significance. Last evaluated: 2024-10-14. Review status: criteria provided, single submitter. Criteria: ACMG Guidelines, 2015. Collection method: clinical testing. Allele origin: germline.

Labcorp Genetics (formerly Invitae), Labcorp
Classification: Uncertain significance for Chédiak-Higashi syndrome. Last evaluated: 2022-08-22. Review status: criteria provided, single submitter. Criteria: Invitae Variant Classification Sherloc (09022015). Collection method: clinical testing. Allele origin: germline.
Comment: This sequence change replaces glutamic acid, which is acidic and polar, with lysine, which is basic and polar, at codon 2854 of the LYST protein (p.Glu2854Lys). This variant is present in population databases (rs144384971, gnomAD 0.2%). This variant has not been reported in the literature in individuals affected with LYST-related conditions. ClinVar contains an entry for this variant (Variation ID: 573642). Algorithms developed to predict the effect of missense changes on protein structure and function are either unavailable or do not agree on the potential impact of this missense change (SIFT: "Tolerated"; PolyPhen-2: "Probably Damaging"; Align-GVGD: "Class C0"). In summary, the available evidence is currently insufficient to determine the role of this variant in disease. Therefore, it has been classified as a Variant of Uncertain Significance.

Illumina Laboratory Services, Illumina
Classification: Uncertain significance for Chédiak-Higashi syndrome. Last evaluated: 2018-01-13. Review status: criteria provided, single submitter. Criteria: ICSL Variant Classification Criteria 13 December 2019. Collection method: clinical testing. Allele origin: germline.

NM_000081.4(LYST):c.8560G>A (p.Glu2854Lys)

Gene: LYST (lysosomal trafficking regulator; minus strand). Cytogenetic location: 1q42.3.
Variant type: single nucleotide variant.
Coding change: c.8560G>A on transcript NM_000081.4 (MANE Select); coding-DNA position 8560, G replaced by A.
Protein change: p.Glu2854Lys; replaces glutamic acid 2854 with lysine.
Molecular consequence: missense variant.
Genome position (GRCh38, 1-based): chr1:235,733,882, C>T on the plus strand (G>A on the coding strand, the complement: LYST is on the minus strand). VCF-style: chr1-235733882-C-T. GRCh37 (hg19) VCF-style: chr1-235897182-C-T.
Other names: c.8560G>A, p.Glu2854Lys (NM_001301365.1); short protein forms E2854K.
Identifiers: ClinVar variation 573642 (VCV000573642.11), dbSNP rs144384971, ClinGen allele CA1465820.